The following is an entry in ClinVar:

ClinVar aggregate classification (germline): Uncertain significance (1 of 4 stars; one submission).

Conditions:
DOCK2 deficiency. Also called: Immunodeficiency 40. Identifiers: Orphanet 447737, MedGen C4225328, MONDO:0014637, OMIM 616433.

Allele frequency attached by ClinVar (database versions not stated): gnomAD exomes below 0.00001; ExAC 0.00001.
gnomAD v4.1: 2 of 1,613,208 alleles (0.00012%); highest among the groups gnomAD compares: East Asian, 0.0045%; no homozygotes.

Submission:

Labcorp Genetics (formerly Invitae), Labcorp
Classification: Uncertain significance for DOCK2 deficiency. Last evaluated: 2022-08-23. Review status: criteria provided, single submitter. Criteria: Invitae Variant Classification Sherloc (09022015). Collection method: clinical testing. Allele origin: germline.
Comment: In summary, the available evidence is currently insufficient to determine the role of this variant in disease. Therefore, it has been classified as a Variant of Uncertain Significance. Algorithms developed to predict the effect of sequence changes on RNA splicing suggest that this variant may create or strengthen a splice site. This variant has not been reported in the literature in individuals affected with DOCK2-related conditions. This variant is present in population databases (rs746027569, gnomAD 0.02%). This sequence change affects codon 817 of the DOCK2 mRNA. It is a 'silent' change, meaning that it does not change the encoded amino acid sequence of the DOCK2 protein.

NM_004946.3(DOCK2):c.2451A>G (p.Gln817=)

Gene: DOCK2 (dedicator of cytokinesis 2; plus strand). Cytogenetic location: 5q35.1.
Variant type: single nucleotide variant.
Coding change: c.2451A>G on transcript NM_004946.3 (MANE Select); coding-DNA position 2451, A replaced by G.
Protein change: p.Gln817=; no amino-acid change (glutamine 817 retained).
Molecular consequence: synonymous variant. On other transcripts: non-coding transcript variant (1).
Genome position (GRCh38, 1-based): chr5:169,761,522, A>G. VCF-style: chr5-169761522-A-G. GRCh37 (hg19) VCF-style: chr5-169188526-A-G.
Identifiers: ClinVar variation 1956253 (VCV001956253.5), dbSNP rs746027569, ClinGen allele CA3553766.